The following is an entry in ClinVar:

ClinVar aggregate classification (germline): Pathogenic. Review status: reviewed by expert panel (3 of 4 stars). 10 submissions from 10 submitters: Pathogenic (1). 9 of the submissions do not count toward it. Last evaluated 2016-09-08.

Conditions:
Breast-ovarian cancer, familial, susceptibility to, 1 (BROVCA1). Also called: BRCA1 Hereditary Breast and Ovarian Cancer; OVARIAN CANCER, SUSCEPTIBILITY TO. Identifiers: Orphanet 145, MedGen C2676676, MONDO:0011450, OMIM 604370. Disease mechanism: loss of function.
Hereditary cancer-predisposing syndrome. Also called: Hereditary Cancer Syndrome; Hereditary neoplastic syndrome; Neoplastic Syndromes, Hereditary; Tumor predisposition. Identifiers: Orphanet 140162, MedGen C0027672, MeSH D009386, MONDO:0015356.
Hereditary breast ovarian cancer syndrome. Also called: BRCA1- and BRCA2-Associated Hereditary Breast and Ovarian Cancer; Hereditary breast and ovarian cancer syndrome; Hereditary breast and ovarian cancer syndrome (HBOC); Breast and ovarian cancer; Hereditary breast and/or ovarian cancer syndrome; Hereditary breast and ovarian cancer. Identifiers: Orphanet 145, MedGen C0677776, MeSH D061325, MONDO:0003582. Disease mechanism: loss of function.

Allele frequency attached by ClinVar (database versions not stated): gnomAD exomes below 0.00001; ExAC 0.00001.

Submissions (10):

Evidence-based Network for the Interpretation of Germline Mutant Alleles (ENIGMA)
Classification: Pathogenic for Breast-ovarian cancer, familial, susceptibility to, 1. Last evaluated: 2016-09-08. Review status: reviewed by expert panel. Criteria: ENIGMA BRCA1/2 Classification Criteria (2015). Collection method: curation. Allele origin: germline.
Comment: Variant allele predicted to encode a truncated non-functional protein.

Labcorp Genetics (formerly Invitae), Labcorp
Classification: Pathogenic for Hereditary breast ovarian cancer syndrome. Last evaluated: 2025-09-17. Review status: criteria provided, single submitter. Criteria: Invitae Variant Classification Sherloc (09022015). Collection method: clinical testing. Allele origin: germline. Not counted in ClinVar's aggregate classification.
Comment: This sequence change creates a premature translational stop signal (p.Ser308Thrfs*6) in the BRCA1 gene. It is expected to result in an absent or disrupted protein product. Loss-of-function variants in BRCA1 are known to be pathogenic (PMID: 20104584). This variant is present in population databases (rs80357953, gnomAD 0.0009%). This premature translational stop signal has been observed in individual(s) with BRCA1-related conditions (PMID: 10923033). This variant is also known as 1042delG. ClinVar contains an entry for this variant (Variation ID: 55754). For these reasons, this variant has been classified as Pathogenic.

Ambry Genetics
Classification: Pathogenic for Hereditary cancer-predisposing syndrome. Last evaluated: 2024-04-15. Review status: criteria provided, single submitter. Criteria: Ambry Variant Classification Scheme 2023. Collection method: clinical testing. Allele origin: germline. Not counted in ClinVar's aggregate classification.
Comment: The c.923delG pathogenic mutation, located in coding exon 9 of the BRCA1 gene, results from a deletion of one nucleotide at nucleotide position 923, causing a translational frameshift with a predicted alternate stop codon (p.S308Tfs*6). This mutation has been previously reported in individuals with a personal history of breast cancer (Maxwell KN et al. Nat Commun, 2017 08;8:319; Yadav S et al. J Clin Oncol, 2020 May;38:1409-1418). This mutation was also identified in a large, worldwide study of BRCA1/2 mutation positive families (Rebbeck TR et al. Hum Mutat, 2018 05;39:593-620). In addition to the clinical data presented in the literature, this alteration is expected to result in loss of function by premature protein truncation or nonsense-mediated mRNA decay. As such, this alteration is interpreted as a disease-causing mutation.

All of Us Research Program, National Institutes of Health
Classification: Pathogenic for Breast-ovarian cancer, familial, susceptibility to, 1. Last evaluated: 2023-08-16. Review status: criteria provided, single submitter. Criteria: ACMG Guidelines, 2015. Collection method: clinical testing. Allele origin: germline. Inheritance: Autosomal dominant inheritance. Observed: 1 variant allele, 1 heterozygote. Not counted in ClinVar's aggregate classification.
Comment: This variant deletes 1 nucleotide in exon 10 of the BRCA1 gene, creating a frameshift and premature translation stop signal. This variant is expected to result in an absent or non-functional protein product. This variant has been identified in 1/251346 chromosomes in the general population by the Genome Aggregation Database (gnomAD). Loss of BRCA1 function is a known mechanism of disease. Based on the available evidence, this variant is classified as Pathogenic.

This study involves interpretation of variants in research participants for the purpose of population health screening. Participant phenotype was not available at the time of variant classification. Additional details can be found in publication PMID: 35346344, PMCID: PMC8962531

Baylor Genetics
Classification: Pathogenic for Breast-ovarian cancer, familial, susceptibility to, 1. Last evaluated: 2022-05-27. Review status: criteria provided, single submitter. Criteria: ACMG Guidelines, 2015. Collection method: clinical testing. Allele origin: unknown. Not counted in ClinVar's aggregate classification.

Women's Health and Genetics/Laboratory Corporation of America, LabCorp
Classification: Pathogenic for Hereditary breast and ovarian cancer syndrome. Last evaluated: 2020-07-30. Review status: criteria provided, single submitter. Criteria: LabCorp Variant Classification Summary - May 2015. Collection method: clinical testing. Allele origin: germline. Not counted in ClinVar's aggregate classification.
Comment: Variant summary: BRCA1 c.923delG (p.Ser308ThrfsX6) results in a premature termination codon, predicted to cause a truncation of the encoded protein or absence of the protein due to nonsense mediated decay, which are commonly known mechanisms for disease. Truncations downstream of this position have been classified as pathogenic by our laboratory. The variant allele was found at a frequency of 4e-06 in 251346 control chromosomes (gnomAD). c.923delG has been reported in the literature in individuals affected with Hereditary Breast and Ovarian Cancer Syndrome (Judkins_2005, Maxwell_2017, Rebbeck_2018). These data indicate that the variant is likely to be associated with disease. To our knowledge, no experimental evidence demonstrating an impact on protein function has been reported. Five other submitters, including an expert panel (ENIGMA), have provided clinical-significance assessments for this variant in ClinVar after 2014, and all of them classified the variant as pathogenic. Based on the evidence outlined above, the variant was classified as pathogenic.

Color Diagnostics, LLC DBA Color Health
Classification: Pathogenic for Hereditary cancer-predisposing syndrome. Last evaluated: 2020-01-15. Review status: criteria provided, single submitter. Criteria: ACMG Guidelines, 2015. Collection method: clinical testing. Allele origin: germline. Not counted in ClinVar's aggregate classification.
Comment: This variant deletes 1 nucleotide in exon 10 of the BRCA1 gene, creating a frameshift and premature translation stop signal. This variant is expected to result in an absent or non-functional protein product. This variant has been identified in 1/251346 chromosomes in the general population by the Genome Aggregation Database (gnomAD). Loss of BRCA1 function is a known mechanism of disease. Based on the available evidence, this variant is classified as Pathogenic.

GeneDx
Classification: Pathogenic. Last evaluated: 2017-10-27. Review status: criteria provided, single submitter. Criteria: GeneDx Variant Classification (06012015). Collection method: clinical testing. Allele origin: germline. Affected: yes. Not counted in ClinVar's aggregate classification.
Comment: This deletion of one nucleotide in BRCA1 is denoted c.923delG at the cDNA level and p.Ser308ThrfsX6 (S308TfsX6) at the protein level. The normal sequence, with the base that is deleted in brackets, is TAAAA[G]CAAA. The deletion causes a frameshift, which changes a Serine to a Threonine at codon 308, and creates a premature stop codon at position 6 of the new reading frame. This variant is predicted to cause loss of normal protein function through either protein truncation or nonsense-mediated mRNA decay. BRCA1 c.923delG, also published as BRCA1 1042delG using alternate nomenclature, has been reported in association with hereditary breast and ovarian cancer (Judkins 2005) and is considered pathogenic.

Consortium of Investigators of Modifiers of BRCA1/2 (CIMBA), c/o University of Cambridge
Classification: Pathogenic for Breast-ovarian cancer, familial, susceptibility to, 1. Last evaluated: 2015-10-02. Review status: criteria provided, single submitter. Criteria: CIMBA Mutation Classification guidelines May 2016. Collection method: clinical testing. Allele origin: germline. Not counted in ClinVar's aggregate classification.

Breast Cancer Information Core (BIC) (BRCA1)
Classification: Pathogenic for Breast-ovarian cancer, familial 1. Last evaluated: 2003-12-23. Review status: no assertion criteria provided. Collection method: clinical testing. Allele origin: germline. Affected: yes. Observed: 1 variant allele. Not counted in ClinVar's aggregate classification.

Literature cited by the submitters: PubMed 20104584 (cited by Labcorp Genetics (formerly Invitae), Labcorp); PubMed 10923033 (cited by Labcorp Genetics (formerly Invitae), Labcorp); PubMed 28831036 (cited by Ambry Genetics and Women's Health and Genetics/Laboratory Corporation of America, LabCorp); PubMed 29446198 (cited by Ambry Genetics and Women's Health and Genetics/Laboratory Corporation of America, LabCorp); PubMed 32125938 (cited by Ambry Genetics); PubMed 16267036 (cited by Women's Health and Genetics/Laboratory Corporation of America, LabCorp).

NM_007294.4(BRCA1):c.923del (p.Ser308fs)

Gene: BRCA1 (BRCA1 DNA repair associated; minus strand). Cytogenetic location: 17q21.31.
Variant type: Deletion.
Coding change: c.923del on transcript NM_007294.4 (MANE Select); coding-DNA position 923, one base deleted (G; older notation c.923delG).
Protein change: p.Ser308fs; shifts the reading frame from serine 308.
Molecular consequence: frameshift variant. On other transcripts: intron variant (137).
Genome position (GRCh38, 1-based): chr17:43,094,608, C deleted on the plus strand (G on the coding strand, the reverse complement: BRCA1 is on the minus strand). VCF-style (leftmost placement, unchanged base first): chr17-43094607-GC-G. GRCh37 (hg19) VCF-style: chr17-41246624-GC-G.
Other names: 1042delG; c.779del, p.Ser260fs (NM_001407740.1, NM_001407741.1, NM_001407742.1 and 20 more transcripts); c.782del, p.Ser261fs (NM_001407750.1, NM_001407751.1, NM_001407752.1 and 29 more transcripts); c.710del, p.Ser237fs (NM_001407853.1, NM_001407894.1, NM_001407895.1 and 9 more transcripts); c.923del, p.Ser308fs (NM_001407854.1, NM_001407858.1, NM_001407859.1 and 30 more transcripts); c.920del, p.Ser307fs (NM_001407860.1, NM_001407861.1, NM_001407587.1 and 22 more transcripts); c.722del, p.Ser241fs (NM_001407862.1); c.800del, p.Ser267fs (NM_001407863.1, NM_001407919.1, NM_001407937.1 and 19 more transcripts); and 41 more; short protein forms S308fs, S261fs, S197fs, S219fs, S237fs, S266fs, S12fs, S220fs.
Identifiers: ClinVar variation 55754 (VCV000055754.26), dbSNP rs80357953, ClinGen allele CA003965.